The following is an entry in ClinVar:

ClinVar aggregate classification (germline): Uncertain significance (1 of 4 stars; one submission).

Conditions:
Cognitive impairment - coarse facies - heart defects - obesity - pulmonary involvement - short stature - skeletal dysplasia syndrome. Also called: AFF4-Related CHOPS Syndrome; COGNITIVE IMPAIRMENT, COARSE FACIES, HEART DEFECTS, OBESITY, PULMONARY INVOLVEMENT, SHORT STATURE, AND SKELETAL DYSPLASIA; Chops syndrome. Identifiers: Orphanet 444077, MedGen C4085597, MONDO:0014609, OMIM 616368.

Allele frequency attached by ClinVar (database versions not stated): gnomAD exomes below 0.00001; ExAC 0.00001; TOPMed 0.00001.
gnomAD v4.1: 3 of 1,607,384 alleles (0.00019%); highest among the groups gnomAD compares: Admixed American, 0.0017%; no homozygotes.

Submission:

Labcorp Genetics (formerly Invitae), Labcorp
Classification: Uncertain significance for Cognitive impairment - coarse facies - heart defects - obesity - pulmonary involvement - short stature - skeletal dysplasia syndrome. Last evaluated: 2025-09-18. Review status: criteria provided, single submitter. Criteria: Invitae Variant Classification Sherloc (09022015). Collection method: clinical testing. Allele origin: germline.
Comment: This sequence change replaces aspartic acid, which is acidic and polar, with glycine, which is neutral and non-polar, at codon 312 of the AFF4 protein (p.Asp312Gly). This variant is present in population databases (rs751474496, gnomAD 0.003%). This variant has not been reported in the literature in individuals affected with AFF4-related conditions. ClinVar contains an entry for this variant (Variation ID: 2728933). Invitae Evidence Modeling of protein sequence and biophysical properties (such as structural, functional, and spatial information, amino acid conservation, physicochemical variation, residue mobility, and thermodynamic stability) indicates that this missense variant is expected to disrupt AFF4 protein function with a positive predictive value of 80%. In summary, the available evidence is currently insufficient to determine the role of this variant in disease. Therefore, it has been classified as a Variant of Uncertain Significance.

NM_014423.4(AFF4):c.935A>G (p.Asp312Gly)

Gene: AFF4 (ALF transcription elongation factor 4; minus strand). Cytogenetic location: 5q31.1.
Variant type: single nucleotide variant.
Coding change: c.935A>G on transcript NM_014423.4 (MANE Select); coding-DNA position 935, A replaced by G.
Protein change: p.Asp312Gly; replaces aspartic acid 312 with glycine.
Molecular consequence: missense variant.
Genome position (GRCh38, 1-based): chr5:132,932,206, T>C on the plus strand (A>G on the coding strand, the complement: AFF4 is on the minus strand). VCF-style: chr5-132932206-T-C. GRCh37 (hg19) VCF-style: chr5-132267898-T-C.
Other names: short protein forms D312G.
Identifiers: ClinVar variation 2728933 (VCV002728933.3), dbSNP rs751474496, ClinGen allele CA3409319.